The following is an entry in ClinVar:

NM_000179.3(MSH6):c.1137A>C (p.Arg379Ser)

Gene: MSH6 (mutS homolog 6; plus strand). Cytogenetic location: 2p16.3.
Variant type: single nucleotide variant.
Coding change: c.1137A>C on transcript NM_000179.3 (MANE Select); coding-DNA position 1137, A replaced by C.
Protein change: p.Arg379Ser; replaces arginine 379 with serine.
Molecular consequence: missense variant.
Genome position (GRCh38, 1-based): chr2:47,799,120, A>C. VCF-style: chr2-47799120-A-C. GRCh37 (hg19) VCF-style: chr2-48026259-A-C.
Other names: c.747A>C, p.Arg249Ser (NM_001281492.2); c.231A>C, p.Arg77Ser (NM_001281493.2, NM_001281494.2); short protein forms R379S, R249S, R77S.
Identifiers: ClinVar variation 818394 (VCV000818394.14), dbSNP rs1572721819, ClinGen allele CA346742126.

ClinVar aggregate classification (germline): Uncertain significance. Review status: criteria provided, multiple submitters, no conflicts (2 of 4 stars). 2 submissions from 2 submitters: Uncertain significance (2). Last evaluated 2026-01-21.

Conditions:
Hereditary nonpolyposis colorectal neoplasms. Identifiers: MedGen C0009405, MeSH D003123.
Hereditary cancer-predisposing syndrome. Also called: Tumor predisposition; Hereditary neoplastic syndrome; Neoplastic Syndromes, Hereditary; Hereditary Cancer Syndrome. Identifiers: Orphanet 140162, MedGen C0027672, MeSH D009386, MONDO:0015356.

gnomAD v4.1: 1 of 1,614,178 alleles (0.000062%); no homozygotes.

Submissions (2):

Labcorp Genetics (formerly Invitae), Labcorp
Classification: Uncertain significance for Hereditary nonpolyposis colorectal neoplasms. Last evaluated: 2026-01-21. Review status: criteria provided, single submitter. Criteria: Invitae Variant Classification Sherloc (09022015). Collection method: clinical testing. Allele origin: germline.
Comment: This sequence change replaces arginine, which is basic and polar, with serine, which is neutral and polar, at codon 379 of the MSH6 protein (p.Arg379Ser). This variant is not present in population databases (gnomAD no frequency). This variant has not been reported in the literature in individuals affected with MSH6-related conditions. ClinVar contains an entry for this variant (Variation ID: 818394). Invitae Evidence Modeling of protein sequence and biophysical properties (such as structural, functional, and spatial information, amino acid conservation, physicochemical variation, residue mobility, and thermodynamic stability) indicates that this missense variant is not expected to disrupt MSH6 protein function with a negative predictive value of 95%. In summary, the available evidence is currently insufficient to determine the role of this variant in disease. Therefore, it has been classified as a Variant of Uncertain Significance.

Ambry Genetics
Classification: Uncertain significance for Hereditary cancer-predisposing syndrome. Last evaluated: 2025-08-01. Review status: criteria provided, single submitter. Criteria: Ambry Variant Classification Scheme 2023. Collection method: clinical testing. Allele origin: germline.
Comment: The p.R379S variant (also known as c.1137A>C), located in coding exon 4 of the MSH6 gene, results from an A to C substitution at nucleotide position 1137. The arginine at codon 379 is replaced by serine, an amino acid with dissimilar properties. This amino acid position is not well conserved in available vertebrate species. In addition, the in silico prediction for this alteration is inconclusive. Since supporting evidence is limited at this time, the clinical significance of this alteration remains unclear.